The following is an entry in ClinVar:

ClinVar aggregate classification (germline): Uncertain significance (1 of 4 stars; one submission).

Conditions:
ALG1-congenital disorder of glycosylation. Also called: ALG1-CDG; CONGENITAL DISORDER OF GLYCOSYLATION, TYPE Ik; CDG Ik. Identifiers: Orphanet 79327, MedGen C2931005, MONDO:0012052, OMIM 608540.

Submission:

Labcorp Genetics (formerly Invitae), Labcorp
Classification: Uncertain significance for Congenital disorder of glycosylation type 1K. Last evaluated: 2018-12-26. Review status: criteria provided, single submitter. Criteria: Invitae Variant Classification Sherloc (09022015). Collection method: clinical testing. Allele origin: germline.
Comment: This sequence change replaces aspartic acid with tyrosine at codon 202 of the ALG1 protein (p.Asp202Tyr). The aspartic acid residue is highly conserved and there is a large physicochemical difference between aspartic acid and tyrosine. This variant is not present in population databases (ExAC no frequency). This variant has not been reported in the literature in individuals with ALG1-related conditions. Algorithms developed to predict the effect of missense changes on protein structure and function are either unavailable or do not agree on the potential impact of this missense change (SIFT: "Tolerated"; PolyPhen-2: "Probably Damaging"; Align-GVGD: "Class C0"). In summary, the available evidence is currently insufficient to determine the role of this variant in disease. Therefore, it has been classified as a Variant of Uncertain Significance.

NM_019109.5(ALG1):c.604G>T (p.Asp202Tyr)

Gene: ALG1 (ALG1 chitobiosyldiphosphodolichol beta-mannosyltransferase; plus strand). Cytogenetic location: 16p13.3.
Variant type: single nucleotide variant.
Coding change: c.604G>T on transcript NM_019109.5 (MANE Select); coding-DNA position 604, G replaced by T.
Protein change: p.Asp202Tyr; replaces aspartic acid 202 with tyrosine.
Molecular consequence: missense variant.
Genome position (GRCh38, 1-based): chr16:5,077,509, G>T. VCF-style: chr16-5077509-G-T. GRCh37 (hg19) VCF-style: chr16-5127510-G-T.
Other names: c.271G>T, p.Asp91Tyr (NM_001330504.2); short protein forms D91Y.
Identifiers: ClinVar variation 654182 (VCV000654182.1), dbSNP rs1239003111, ClinGen allele CA394681357.